The following is an entry in ClinVar:

NM_019055.6(ROBO4):c.878A>C (p.Gln293Pro)

Gene: ROBO4 (roundabout guidance receptor 4; minus strand). Cytogenetic location: 11q24.2.
Variant type: single nucleotide variant.
Coding change: c.878A>C on transcript NM_019055.6 (MANE Select); coding-DNA position 878, A replaced by C.
Protein change: p.Gln293Pro; replaces glutamine 293 with proline.
Molecular consequence: missense variant.
Genome position (GRCh38, 1-based): chr11:124,895,615, T>G on the plus strand (A>C on the coding strand, the complement: ROBO4 is on the minus strand). VCF-style: chr11-124895615-T-G. GRCh37 (hg19) VCF-style: chr11-124765511-T-G.
Other names: c.443A>C, p.Gln148Pro (NM_001301088.2); short protein forms Q148P, Q293P.
Identifiers: ClinVar variation 2691026 (VCV002691026.3), dbSNP rs60888551, ClinGen allele CA6345144.

ClinVar aggregate classification (germline): Benign. Review status: criteria provided, single submitter (1 of 4 stars). 2 submissions from 2 submitters: Benign (1). 1 of the submissions does not count toward it. Last evaluated 2023-01-19.

Conditions:
Familial thoracic aortic aneurysm and aortic dissection (TAAD). Also called: Thoracic aortic aneurysms and dissections. Identifiers: Orphanet 91387, MedGen C4707243, MONDO:0019625.
ROBO4-related disorder. Also called: ROBO4-related condition.

Allele frequency attached by ClinVar (database versions not stated): ESP Exome Variant Server 0.05506; TOPMed 0.06622; 1000 Genomes Project 0.07308; 1000 Genomes Project 30x 0.07651.
gnomAD v4.1: 24,740 of 1,613,718 alleles (1.5%); highest among the groups gnomAD compares: African/African-American, 19%; 1,470 homozygotes.

Submissions (2):

CHEO Genetics Diagnostic Laboratory, Children's Hospital of Eastern Ontario
Classification: Benign for Familial thoracic aortic aneurysm and aortic dissection. Last evaluated: 2023-01-19. Review status: criteria provided, single submitter. Criteria: ACMG Guidelines, 2015. Collection method: clinical testing. Allele origin: germline.

PreventionGenetics, part of Exact Sciences
Classification: Benign for ROBO4-related condition. Last evaluated: 2019-05-27. Review status: no assertion criteria provided. Collection method: clinical testing. Allele origin: germline. Not counted in ClinVar's aggregate classification.
Comment: This variant is classified as benign based on ACMG/AMP sequence variant interpretation guidelines (Richards et al. 2015 PMID: 25741868, with internal and published modifications).